The following is an entry in ClinVar:

NM_001100913.3(PACS2):c.529C>A (p.Gln177Lys)

Gene: PACS2 (phosphofurin acidic cluster sorting protein 2; plus strand). Cytogenetic location: 14q32.33.
Variant type: single nucleotide variant.
Coding change: c.529C>A on transcript NM_001100913.3 (MANE Select); coding-DNA position 529, C replaced by A.
Protein change: p.Gln177Lys; replaces glutamine 177 with lysine.
Molecular consequence: missense variant.
Genome position (GRCh38, 1-based): chr14:105,367,318, C>A. VCF-style: chr14-105367318-C-A. GRCh37 (hg19) VCF-style: chr14-105833655-C-A.
Other names: c.328C>A, p.Gln110Lys (NM_001243127.3); c.529C>A, p.Gln177Lys (NM_015197.4); short protein forms Q110K, Q177K.
Identifiers: ClinVar variation 2894361 (VCV002894361.3), dbSNP rs1555408186, ClinGen allele CA391173649.
Genomic context (GRCh38, chr14:105,367,318, plus strand): 5'-AGCAGCATCAAGGAGGCCCCCGTCAAGGCGGCCGAGATCTGGATCGCCTCCCTGTCCAGC[C>A]AGCCCATTGACCACGAAGACAGCACCATGCAGGCCGGCCCCAAGGCCAAGTCCACGGGTG-3'
Protein context (NP_001094383.2, residues 167-187): AEIWIASLSS[Gln177Lys]PIDHEDSTMQ

ClinVar aggregate classification (germline): Uncertain significance (1 of 4 stars; one submission).

Allele frequency attached by ClinVar (database versions not stated): gnomAD exomes below 0.00001.
gnomAD v4.1: 2 of 1,613,434 alleles (0.00012%); highest among the groups gnomAD compares: Non-Finnish European, 0.00017%; no homozygotes.

Submission:

Labcorp Genetics (formerly Invitae), Labcorp
Classification: Uncertain significance. Last evaluated: 2023-06-10. Review status: criteria provided, single submitter. Criteria: Invitae Variant Classification Sherloc (09022015). Collection method: clinical testing. Allele origin: germline.
Comment: In summary, the available evidence is currently insufficient to determine the role of this variant in disease. Therefore, it has been classified as a Variant of Uncertain Significance. An algorithm developed to predict the effect of missense changes on protein structure and function (PolyPhen-2) suggests that this variant is likely to be disruptive. This variant has not been reported in the literature in individuals affected with PACS2-related conditions. This variant is present in population databases (no rsID available, gnomAD 0.0009%). This sequence change replaces glutamine, which is neutral and polar, with lysine, which is basic and polar, at codon 177 of the PACS2 protein (p.Gln177Lys).